The following is an entry in ClinVar:

NM_080911.3(UNG):c.544A>G (p.Ile182Val)

Gene: UNG (uracil DNA glycosylase; plus strand). Cytogenetic location: 12q24.11.
Variant type: single nucleotide variant.
Coding change: c.544A>G on transcript NM_080911.3 (MANE Select); coding-DNA position 544, A replaced by G.
Protein change: p.Ile182Val; replaces isoleucine 182 with valine.
Molecular consequence: missense variant.
Genome position (GRCh38, 1-based): chr12:109,102,849, A>G. VCF-style: chr12-109102849-A-G. GRCh37 (hg19) VCF-style: chr12-109540654-A-G.
Other names: c.517A>G, p.Ile173Val (NM_003362.4); short protein forms I182V, I173V.
Identifiers: ClinVar variation 306974 (VCV000306974.13), dbSNP rs545691651, ClinGen allele CA6772678.
Genomic context (GRCh38, chr12:109,102,849, plus strand): 5'-AAATTATGCTTAAGATTCTGTTTTTTGTTTTTCTTGTGGCTTGCTTTCAGTTTGGAGAAC[A>G]TTTATAAAGAGTTGTCTACAGACATAGAGGATTTTGTTCATCCTGGCCATGGAGATTTAT-3'
Protein context (NP_550433.1, residues 172-192): PVPPPPSLEN[Ile182Val]YKELSTDIED

ClinVar aggregate classification (germline): Uncertain significance. Review status: criteria provided, multiple submitters, no conflicts (2 of 4 stars). 4 submissions from 4 submitters: Uncertain significance (4). Last evaluated 2024-02-17.

Conditions:
Hyper-IgM syndrome type 5 (HIGM5). Also called: Hyper-IgM Immunodeficiency Syndrome, Type 5. Identifiers: Orphanet 101092, MedGen C1720958, MONDO:0011971, OMIM 608106.

Allele frequency attached by ClinVar (database versions not stated): gnomAD below 0.00001 and 0.00007; TOPMed 0.00002; gnomAD exomes 0.00011 and 0.00023; ExAC 0.00025; 1000 Genomes Project 0.00040; 1000 Genomes Project 30x 0.00078.
gnomAD v4.1: 175 of 1,612,786 alleles (0.011%); highest among the groups gnomAD compares: South Asian, 0.19%; 1 homozygote.

Submissions (4):

Labcorp Genetics (formerly Invitae), Labcorp
Classification: Uncertain significance for Hyper-IgM syndrome type 5. Last evaluated: 2024-02-17. Review status: criteria provided, single submitter. Criteria: Invitae Variant Classification Sherloc (09022015). Collection method: clinical testing. Allele origin: germline.
Comment: This sequence change replaces isoleucine, which is neutral and non-polar, with valine, which is neutral and non-polar, at codon 182 of the UNG protein (p.Ile182Val). This variant is present in population databases (rs545691651, gnomAD 0.2%). This variant has not been reported in the literature in individuals affected with UNG-related conditions. ClinVar contains an entry for this variant (Variation ID: 306974). Advanced modeling of protein sequence and biophysical properties (such as structural, functional, and spatial information, amino acid conservation, physicochemical variation, residue mobility, and thermodynamic stability) performed at Invitae indicates that this missense variant is not expected to disrupt UNG protein function with a negative predictive value of 80%. In summary, the available evidence is currently insufficient to determine the role of this variant in disease. Therefore, it has been classified as a Variant of Uncertain Significance.

Blueprint Genetics
Classification: Uncertain significance. Last evaluated: 2023-10-18. Review status: criteria provided, single submitter. Criteria: ACMG Guidelines, 2015. Collection method: clinical testing. Allele origin: germline.

Fulgent Genetics
Classification: Uncertain significance for Hyper-IgM syndrome type 5. Last evaluated: 2021-08-12. Review status: criteria provided, single submitter. Criteria: ACMG Guidelines, 2015. Collection method: clinical testing. Allele origin: unknown.

Illumina Laboratory Services, Illumina
Classification: Uncertain significance for Hyper-IgM syndrome type 5. Last evaluated: 2018-01-13. Review status: criteria provided, single submitter. Criteria: ICSL Variant Classification Criteria 13 December 2019. Collection method: clinical testing. Allele origin: germline.